The following is an entry in ClinVar:

ClinVar aggregate classification (germline): Uncertain significance (1 of 4 stars; one submission).

Allele frequency attached by ClinVar (database versions not stated): gnomAD 0.00013; 1000 Genomes Project 0.00020; ExAC 0.00020; gnomAD exomes 0.00022.
gnomAD v4.1: 126 of 765,388 alleles (0.016%); highest among the groups gnomAD compares: Middle Eastern, 0.023%; no homozygotes.

Submission:

Labcorp Genetics (formerly Invitae), Labcorp
Classification: Uncertain significance. Last evaluated: 2022-07-06. Review status: criteria provided, single submitter. Criteria: Invitae Variant Classification Sherloc (09022015). Collection method: clinical testing. Allele origin: germline.
Comment: This variant occurs in the SNORD118 gene, which encodes an RNA molecule that does not result in a protein product. This variant is present in population databases (rs572834319, gnomAD 0.1%). This variant has not been reported in the literature in individuals affected with SNORD118-related conditions. ClinVar contains an entry for this variant (Variation ID: 1416253). Experimental studies and prediction algorithms are not available or were not evaluated, and the functional significance of this variant is currently unknown. In summary, the available evidence is currently insufficient to determine the role of this variant in disease. Therefore, it has been classified as a Variant of Uncertain Significance.

NR_033294.2(SNORD118):n.67G>A

Genes: SNORD118 (small nucleolar RNA, C/D box 118; minus strand), TMEM107 (transmembrane protein 107; minus strand). Cytogenetic location: 17p13.1.
Variant type: single nucleotide variant.
Molecular consequence: non-coding transcript variant (on NR_033294.2). On other transcripts: 3 prime UTR variant (5).
Genome position: GRCh38 VCF-style: chr17-8173522-C-T. GRCh37 (hg19) VCF-style: chr17-8076840-C-T.
Other names: c.*681G>A (NM_001351278.2, NM_001351279.2, NM_001351280.2 and 2 more transcripts).
Identifiers: ClinVar variation 1416253 (VCV001416253.3), dbSNP rs572834319, ClinGen allele CA8370693.
Genomic context (GRCh38, chr17:8,173,522, plus strand): 5'-GGAGCAATCAGGGTGTTGCAAGTCCTGATTACGCAGAGACGTTAATCACGTTTCATGCAT[C>T]TCCAATCATCATGTTCTAATCTGCCCTCCGGAGGAGGAACAGGTAAGGATTATCCCACCT-3'